The following is an entry in ClinVar:

NM_001127222.2(CACNA1A):c.6313G>A (p.Gly2105Ser)

Gene: CACNA1A (calcium voltage-gated channel subunit alpha1 A; minus strand). Cytogenetic location: 19p13.13.
Variant type: single nucleotide variant.
Coding change: c.6313G>A on transcript NM_001127222.2 (MANE Select); coding-DNA position 6313, G replaced by A.
Protein change: p.Gly2105Ser; replaces glycine 2105 with serine.
Molecular consequence: missense variant.
Genome position (GRCh38, 1-based): chr19:13,210,643, C>T on the plus strand (G>A on the coding strand, the complement: CACNA1A is on the minus strand). VCF-style: chr19-13210643-C-T. GRCh37 (hg19) VCF-style: chr19-13321457-C-T.
Other names: c.6331G>A, p.Gly2111Ser (NM_000068.4, NM_023035.3); c.6316G>A, p.Gly2106Ser (NM_001127221.2); c.6322G>A, p.Gly2108Ser (NM_001174080.2); short protein forms G2105S, G2111S, G2106S, G2108S.
Identifiers: ClinVar variation 842271 (VCV000842271.10), dbSNP rs1376625416, ClinGen allele CA404331342.
Genomic context (GRCh38, chr19:13,210,643, plus strand): 5'-GCCCTGCTGGGCGCTGGGCAGGCGCGGTACATACACTGAGGTTATTCCCACGTGGCCGGC[C>T]CCTTCTCCTCTGTCACAGCCCCATGGGATGGTGCACACAGAAAAAACAGAAAGAAGAAAA-3'
Protein context (NP_001120694.1, residues 2095-2115): RLPAENQRRR[Gly2105Ser]RPRGNNLSTI

ClinVar aggregate classification (germline): Uncertain significance (1 of 4 stars; one submission).

Conditions:
Episodic ataxia type 2 (EA2). Also called: ACETAZOLAMIDE-RESPONSIVE HEREDITARY PAROXYSMAL CEREBELLAR ATAXIA; ATAXIA, EPISODIC, WITH NYSTAGMUS; ATAXIA, FAMILIAL PAROXYSMAL; CEREBELLAR ATAXIA, PAROXYSMAL, ACETAZOLAMIDE-RESPONSIVE; CEREBELLOPATHY, HEREDITARY PAROXYSMAL; EPISODIC ATAXIA, NYSTAGMUS-ASSOCIATED. Identifiers: Orphanet 97, MedGen C1720416, MONDO:0007163, OMIM 108500.
Developmental and epileptic encephalopathy, 42 (DEE42A). Also called: DEVELOPMENTAL AND EPILEPTIC ENCEPHALOPATHY 42A; EPILEPTIC ENCEPHALOPATHY, EARLY INFANTILE, 42A; Epileptic encephalopathy, early infantile, 42. Identifiers: MedGen C4310716, MONDO:0014917, OMIM 617106.

Allele frequency attached by ClinVar (database versions not stated): gnomAD exomes below 0.00001 and 0.00001.
gnomAD v4.1: 3 of 1,564,746 alleles (0.00019%); highest among the groups gnomAD compares: East Asian, 0.0024%; no homozygotes.

Submission:

Labcorp Genetics (formerly Invitae), Labcorp
Classification: Uncertain significance for Developmental and epileptic encephalopathy, 42; Episodic ataxia type 2. Last evaluated: 2019-05-25. Review status: criteria provided, single submitter. Criteria: Invitae Variant Classification Sherloc (09022015). Collection method: clinical testing. Allele origin: germline.
Comment: In summary, the available evidence is currently insufficient to determine the role of this variant in disease. Therefore, it has been classified as a Variant of Uncertain Significance. Algorithms developed to predict the effect of missense changes on protein structure and function (SIFT, PolyPhen-2, Align-GVGD) all suggest that this variant is likely to be tolerated, but these predictions have not been confirmed by published functional studies and their clinical significance is uncertain. This variant has not been reported in the literature in individuals with CACNA1A-related conditions. This variant is not present in population databases (ExAC no frequency). This sequence change replaces glycine with serine at codon 2106 of the CACNA1A protein (p.Gly2106Ser). The glycine residue is weakly conserved and there is a small physicochemical difference between glycine and serine.